The following is an entry in ClinVar:

ClinVar aggregate classification (germline): Uncertain significance. Review status: criteria provided, multiple submitters, no conflicts (2 of 4 stars). 4 submissions from 4 submitters: Uncertain significance (4). Last evaluated 2025-12-18.

Conditions:
Hypertrophic cardiomyopathy 14. Identifiers: MedGen C2750467, MONDO:0013197, OMIM 613251.
MYH6-related disorder. Also called: MYH6-related condition; MYH6-Related Disorders.
Cardiovascular phenotype. Identifiers: MedGen CN230736.

Allele frequency attached by ClinVar (database versions not stated): gnomAD 0.00002; TOPMed 0.00002; gnomAD exomes 0.00003.
gnomAD v4.1: 44 of 1,614,060 alleles (0.0027%); highest among the groups gnomAD compares: Non-Finnish European, 0.0032%; no homozygotes.

Submissions (4):

Ambry Genetics
Classification: Uncertain significance for Cardiovascular phenotype. Last evaluated: 2025-12-18. Review status: criteria provided, single submitter. Criteria: Ambry Variant Classification Scheme 2023. Collection method: clinical testing. Allele origin: germline.
Comment: The p.R1679C variant (also known as c.5035C>T), located in coding exon 32 of the MYH6 gene, results from a C to T substitution at nucleotide position 5035. The arginine at codon 1679 is replaced by cysteine, an amino acid with highly dissimilar properties. This variant was reported in individual(s) with features consistent with congenital heart disease (Blue GM et al. Am Heart J, 2018 Jul;201:33-39). This amino acid position is well conserved in available vertebrate species. In addition, this alteration is predicted to be deleterious by in silico analysis. Based on the available evidence, the clinical significance of this variant remains unclear.

PreventionGenetics, part of Exact Sciences
Classification: Uncertain significance for MYH6-related condition. Last evaluated: 2025-06-19. Review status: criteria provided, single submitter. Criteria: ACMG Guidelines, 2015. Collection method: clinical testing. Allele origin: germline.
Comment: The MYH6 c.5035C>T variant is predicted to result in the amino acid substitution p.Arg1679Cys. To our knowledge, this variant has not been reported in the literature. This variant is reported in 0.0065% of alleles in individuals of European (Non-Finnish) descent in gnomAD. At this time, the clinical significance of this variant is uncertain due to the absence of conclusive functional and genetic evidence.

Labcorp Genetics (formerly Invitae), Labcorp
Classification: Uncertain significance for Hypertrophic cardiomyopathy 14. Last evaluated: 2025-05-12. Review status: criteria provided, single submitter. Criteria: Invitae Variant Classification Sherloc (09022015). Collection method: clinical testing. Allele origin: germline.
Comment: This sequence change replaces arginine, which is basic and polar, with cysteine, which is neutral and slightly polar, at codon 1679 of the MYH6 protein (p.Arg1679Cys). This variant is present in population databases (no rsID available, gnomAD 0.007%). This variant has not been reported in the literature in individuals affected with MYH6-related conditions. ClinVar contains an entry for this variant (Variation ID: 1058042). Invitae Evidence Modeling of protein sequence and biophysical properties (such as structural, functional, and spatial information, amino acid conservation, physicochemical variation, residue mobility, and thermodynamic stability) indicates that this missense variant is expected to disrupt MYH6 protein function with a positive predictive value of 80%. In summary, the available evidence is currently insufficient to determine the role of this variant in disease. Therefore, it has been classified as a Variant of Uncertain Significance.

GeneDx
Classification: Uncertain significance. Last evaluated: 2023-11-22. Review status: criteria provided, single submitter. Criteria: GeneDx Variant Classification Process June 2021. Collection method: clinical testing. Allele origin: germline. Affected: yes.
Comment: Not observed at significant frequency in large population cohorts (gnomAD); In silico analysis supports that this missense variant has a deleterious effect on protein structure/function; This variant is associated with the following publications: (PMID: 29910053)

Literature cited by the submitters: PubMed 29910053 (cited by Ambry Genetics).

NM_002471.4(MYH6):c.5035C>T (p.Arg1679Cys)

Genes: MYH6 (myosin heavy chain 6; minus strand), LOC126861896 (BRD4-independent group 4 enhancer GRCh37_chr14:23854904-23856103; plus strand). Cytogenetic location: 14q11.2.
Variant type: single nucleotide variant.
Coding change: c.5035C>T on transcript NM_002471.4 (MANE Select); coding-DNA position 5035, C replaced by T.
Protein change: p.Arg1679Cys; replaces arginine 1679 with cysteine.
Molecular consequence: missense variant.
Genome position (GRCh38, 1-based): chr14:23,386,056, G>A on the plus strand (C>T on the coding strand, the complement: MYH6 is on the minus strand). VCF-style: chr14-23386056-G-A. GRCh37 (hg19) VCF-style: chr14-23855265-G-A.
Other names: c.5035C>T (NM_002471.3); short protein forms R1679C.
Identifiers: ClinVar variation 1058042 (VCV001058042.10), dbSNP rs921540558, ClinGen allele CA257778506.
Genomic context (GRCh38, chr14:23,386,056, plus strand): 5'-GCTCTGTCTGCTCCACCACGGCACGCAGCTCCTCCAGCTCAGCCTGCAGCAGGTTGTTGC[G>A]CCGCTCCACGATGGCGATGTTCTCCTTCAGGTCGTCGTTGGCACGGACCGCATCGTCCAG-3'
Protein context (NP_002462.2, residues 1669-1689): LKENIAIVER[Arg1679Cys]NNLLQAELEE